The following is an entry in ClinVar:

NM_016614.3(TDP2):c.580_581del (p.Gln194fs)

Gene: TDP2 (tyrosyl-DNA phosphodiesterase 2; minus strand). Cytogenetic location: 6p22.3.
Variant type: Deletion.
Coding change: c.580_581del on transcript NM_016614.3 (MANE Select); coding-DNA positions 580 to 581, 2 bases deleted (CA; older notation c.580_581delCA).
Protein change: p.Gln194fs; shifts the reading frame from glutamine 194.
Molecular consequence: frameshift variant.
Genome position (GRCh38, 1-based): chr6:24,654,467-24,654,468, TG deleted on the plus strand (CA on the coding strand, the reverse complement: TDP2 is on the minus strand). VCF-style (leftmost placement, unchanged base first): chr6-24654466-TTG-T. GRCh37 (hg19) VCF-style: chr6-24654694-TTG-T.
Other names: short protein forms Q194fs.
Identifiers: ClinVar variation 2598969 (VCV002598969.2), dbSNP rs2534108625, ClinGen allele CA2582341689.

ClinVar aggregate classification (germline): Pathogenic (1 of 4 stars; one submission).

Conditions:
Inborn genetic diseases. Identifiers: MedGen C0950123, MeSH D030342.

Submission:

Ambry Genetics
Classification: Pathogenic for Inborn genetic diseases. Last evaluated: 2023-07-20. Review status: criteria provided, single submitter. Criteria: Ambry Variant Classification Scheme 2023. Collection method: clinical testing. Allele origin: germline.
Comment: The c.580_581delCA (p.Q194Rfs*25) alteration, located in exon 5 (coding exon 5) of the TDP2 gene, consists of a deletion of 2 nucleotides from position 580 to 581, causing a translational frameshift with a predicted alternate stop codon after 25 amino acids. This alteration is expected to result in loss of function by premature protein truncation or nonsense-mediated mRNA decay. This variant was not reported in population-based cohorts in the Genome Aggregation Database (gnomAD). Based on the available evidence, this alteration is classified as pathogenic.